The following is an entry in ClinVar:

NM_018838.5(NDUFA12):c.395AGA[1] (p.Lys133del)

Gene: NDUFA12 (NADH:ubiquinone oxidoreductase subunit A12; minus strand). Cytogenetic location: 12q22.
Variant type: Microsatellite.
Coding change: c.395AGA[1] on transcript NM_018838.5 (MANE Select); one copy of the 3-base unit AGA starting at c.395; the reference has two copies in a row; one copy, 3 bases deleted.
Protein change: p.Lys133del; deletes lysine 133.
Molecular consequence: inframe deletion. On other transcripts: 3 prime UTR variant (1).
Genome position (GRCh38, 1-based): chr12:94,971,478-94,971,480, TCT deleted on the plus strand (AGA on the coding strand, the reverse complement: NDUFA12 is on the minus strand); deleting any 3 consecutive bases within chr12:94,971,478-94,971,484 gives the same sequence; the position shown is the placement nearest the transcript's 3' end. VCF-style (leftmost placement, unchanged base first): chr12-94971477-ATCT-A. GRCh37 (hg19) VCF-style: chr12-95365253-ATCT-A.
Other names: c.*115AGA[1] (NM_001258338.2); c.398_400delAGA (NM_018838.4, NM_018838.3); short protein forms K133del.
Identifiers: ClinVar variation 806925 (VCV000806925.53), dbSNP rs561604238, ClinGen allele CA6722500.
Genomic context (GRCh38, chr12:94,971,477, plus strand): 5'-GTTTCAACTGTTCTTCATTGTCTTTACTTGTAAGGTGTTGAAGGTGGGATCCACTCCTGA[ATCT>A]TCTTTCTAGTGGTAGAATAAGGTACATATTGTTCTGGGGTGCCAGTCACGTTGAATTTAT-3'

ClinVar aggregate classification (germline): Conflicting classifications of pathogenicity. Review status: criteria provided, conflicting classifications (1 of 4 stars). 5 submissions from 5 submitters: Uncertain significance (3); Likely benign (2). Last evaluated 2026-08-06.

Conditions:
Inborn genetic diseases. Identifiers: MedGen C0950123, MeSH D030342.
NDUFA12-related disorder. Also called: NDUFA12-related condition.

Submissions (5):

GeneDx
Classification: Uncertain significance. Last evaluated: 2026-08-06. Review status: criteria provided, single submitter. Criteria: GeneDx Variant Classification Process June 2021. Collection method: clinical testing. Allele origin: germline.
Comment: In-frame deletion of 1 amino acid in a non-repeat region; In silico analysis supports a deleterious effect on protein structure/function; Has not been previously published as pathogenic or benign to our knowledge

PreventionGenetics, part of Exact Sciences
Classification: Likely benign for NDUFA12-related condition. Last evaluated: 2024-11-06. Review status: criteria provided, single submitter. Criteria: ACMG Guidelines, 2015. Collection method: clinical testing. Allele origin: germline.
Comment: This variant is classified as likely benign based on ACMG/AMP sequence variant interpretation guidelines (Richards et al. 2015 PMID: 25741868, with internal and published modifications).

Labcorp Genetics (formerly Invitae), Labcorp
Classification: Uncertain significance. Last evaluated: 2024-10-29. Review status: criteria provided, single submitter. Criteria: Invitae Variant Classification Sherloc (09022015). Collection method: clinical testing. Allele origin: germline.
Comment: This variant, c.398_400del, results in the deletion of 1 amino acid(s) of the NDUFA12 protein (p.Lys133del), but otherwise preserves the integrity of the reading frame. This variant is present in population databases (rs561604238, gnomAD 0.2%), and has an allele count higher than expected for a pathogenic variant. This variant has not been reported in the literature in individuals affected with NDUFA12-related conditions. ClinVar contains an entry for this variant (Variation ID: 806925). Experimental studies and prediction algorithms are not available or were not evaluated, and the functional significance of this variant is currently unknown. In summary, the available evidence is currently insufficient to determine the role of this variant in disease. Therefore, it has been classified as a Variant of Uncertain Significance.

Ambry Genetics
Classification: Likely benign for Inborn genetic diseases. Last evaluated: 2021-11-08. Review status: criteria provided, single submitter. Criteria: Ambry Variant Classification Scheme 2023. Collection method: clinical testing. Allele origin: germline.

CeGaT Center for Human Genetics Tuebingen
Classification: Uncertain significance. Last evaluated: 2016-06-01. Review status: criteria provided, single submitter. Criteria: CeGaT Center For Human Genetics Tuebingen Variant Classification Criteria Version 2. Collection method: clinical testing. Allele origin: germline. Affected: yes. Observed: 1 variant allele.